The following is an entry in ClinVar:

NM_000939.4(POMC):c.100T>C (p.Cys34Arg)

Gene: POMC (proopiomelanocortin; minus strand). Cytogenetic location: 2p23.3.
Variant type: single nucleotide variant.
Coding change: c.100T>C on transcript NM_000939.4 (MANE Select); coding-DNA position 100, T replaced by C.
Protein change: p.Cys34Arg; replaces cysteine 34 with arginine.
Molecular consequence: missense variant.
Genome position (GRCh38, 1-based): chr2:25,164,673, A>G on the plus strand (T>C on the coding strand, the complement: POMC is on the minus strand). VCF-style: chr2-25164673-A-G. GRCh37 (hg19) VCF-style: chr2-25387542-A-G.
Other names: c.100T>C, p.Cys34Arg (NM_001035256.3, NM_001319204.2, NM_001319205.2); short protein forms C34R.
Identifiers: ClinVar variation 2629131 (VCV002629131.1), dbSNP rs1276202170, ClinGen allele CA346067782.

ClinVar aggregate classification (germline): Uncertain significance (1 of 4 stars; one submission).

Conditions:
POMC-related disorder. Also called: POMC-related condition; POMC-related disorders.

Allele frequency attached by ClinVar (database versions not stated): gnomAD exomes 0.00001.
gnomAD v4.1: 13 of 1,614,174 alleles (0.00081%); highest among the groups gnomAD compares: Non-Finnish European, 0.001%; no homozygotes.

Submission:

PreventionGenetics, part of Exact Sciences
Classification: Uncertain significance for POMC-related condition. Last evaluated: 2023-10-12. Review status: criteria provided, single submitter. Criteria: ACMG Guidelines, 2015. Collection method: clinical testing. Allele origin: germline.
Comment: The POMC c.100T>C variant is predicted to result in the amino acid substitution p.Cys34Arg. In vitro functional studies showed that this variant had activity similar to wild type (Supplemental Data Set, Shah et al. 2023. PubMed ID: 36864747). To our knowledge, this variant has not been reported in a large population database, indicating this variant is rare. At this time, the clinical significance of this variant is uncertain due to the absence of conclusive functional and genetic evidence.